The following is an entry in ClinVar:

ClinVar aggregate classification (germline): Benign (3 of 4 stars; one submission).

Conditions:
Breast-ovarian cancer, familial, susceptibility to, 1 (BROVCA1). Also called: BRCA1 Hereditary Breast and Ovarian Cancer; OVARIAN CANCER, SUSCEPTIBILITY TO. Identifiers: Orphanet 145, MedGen C2676676, MONDO:0011450, OMIM 604370. Disease mechanism: loss of function.

Allele frequency attached by ClinVar (database versions not stated): TOPMed 0.28321; gnomAD 0.30013; 1000 Genomes Project 30x 0.32933; 1000 Genomes Project 0.33506.
gnomAD v4.1: 45,398 of 151,406 alleles (30%); highest among the groups gnomAD compares: South Asian, 49%; 7,370 homozygotes.

Submission:

Evidence-based Network for the Interpretation of Germline Mutant Alleles (ENIGMA)
Classification: Benign for Breast-ovarian cancer, familial 1. Last evaluated: 2015-01-12. Review status: reviewed by expert panel. Criteria: ENIGMA BRCA1/2 Classification Criteria (2015). Collection method: curation. Allele origin: germline.
Comment: Class 1 not pathogenic based on frequency >1% in an outbred sampleset. Frequency 0.3304 (Asian), 0.126 (African), 0.3575 (European), derived from 1000 genomes (2012-04-30).

NM_007294.4(BRCA1):c.80+883C>G

Gene: BRCA1 (BRCA1 DNA repair associated; minus strand). Cytogenetic location: 17q21.31.
Variant type: single nucleotide variant.
Coding change: c.80+883C>G on transcript NM_007294.4 (MANE Select); 883 bases into the intron after coding-DNA position 80, C replaced by G.
Molecular consequence: intron variant.
Genome position (GRCh38, 1-based): chr17:43,123,134, G>C on the plus strand (C>G on the coding strand, the complement: BRCA1 is on the minus strand). VCF-style: chr17-43123134-G-C. GRCh37 (hg19) VCF-style: chr17-41275151-G-C.
Other names: IVS 2+883C>G; c.-61-7355C>G (NM_001408458.1); c.-219+2143C>G (NM_001407967.1); c.-170+2143C>G (NM_001407959.1); c.-8+2143C>G (NM_001407931.1, NM_001407747.1); c.-224+2143C>G (NM_001407962.1, NM_001408512.1, NM_001408510.1); c.-109+2143C>G (NM_001407885.1); c.-62+2143C>G (NM_001408470.1, NM_001407848.1, NM_001407839.1 and 6 more transcripts); and 24 more.
Identifiers: ClinVar variation 209570 (VCV000209570.2), dbSNP rs8176083, ClinGen allele CA276539.